The following is an entry in ClinVar:

ClinVar aggregate classification (germline): Uncertain significance. Review status: criteria provided, multiple submitters, no conflicts (2 of 4 stars). 8 submissions from 8 submitters: Uncertain significance (5). 3 of the submissions do not count toward it. Last evaluated 2023-05-29.

Conditions:
Bardet-Biedl syndrome (BBS). Identifiers: Orphanet 110, MedGen C0752166, MONDO:0015229.
BBS12-related disorder. Also called: BBS12-related condition.
Inborn genetic diseases. Identifiers: MedGen C0950123, MeSH D030342.
Bardet-Biedl syndrome 12 (BBS12). Identifiers: Orphanet 110, MedGen C1859570, MONDO:0014440, OMIM 615989.

Allele frequency attached by ClinVar (database versions not stated): TOPMed 0.00005; gnomAD 0.00006; ESP Exome Variant Server 0.00008.
gnomAD v4.1: 170 of 1,614,084 alleles (0.011%); highest among the groups gnomAD compares: Non-Finnish European, 0.013%; no homozygotes.

Submissions (8):

Blueprint Genetics
Classification: Uncertain significance. Last evaluated: 2023-05-29. Review status: criteria provided, single submitter. Criteria: ACMG Guidelines, 2015. Collection method: clinical testing. Allele origin: germline.

Ambry Genetics
Classification: Uncertain significance for Inborn genetic diseases. Last evaluated: 2022-07-21. Review status: criteria provided, single submitter. Criteria: Ambry Variant Classification Scheme 2023. Collection method: clinical testing. Allele origin: germline.

Fulgent Genetics
Classification: Uncertain significance for Bardet-Biedl syndrome 12. Last evaluated: 2022-04-05. Review status: criteria provided, single submitter. Criteria: ACMG Guidelines, 2015. Collection method: clinical testing. Allele origin: unknown.

Labcorp Genetics (formerly Invitae), Labcorp
Classification: Uncertain significance for Bardet-Biedl syndrome. Last evaluated: 2022-03-20. Review status: criteria provided, single submitter. Criteria: Invitae Variant Classification Sherloc (09022015). Collection method: clinical testing. Allele origin: germline.
Comment: This sequence change replaces valine, which is neutral and non-polar, with leucine, which is neutral and non-polar, at codon 503 of the BBS12 protein (p.Val503Leu). This variant is present in population databases (rs374865012, gnomAD 0.02%). This variant has not been reported in the literature in individuals affected with BBS12-related conditions. ClinVar contains an entry for this variant (Variation ID: 389871). Algorithms developed to predict the effect of missense changes on protein structure and function are either unavailable or do not agree on the potential impact of this missense change (SIFT: "Tolerated"; PolyPhen-2: "Possibly Damaging"; Align-GVGD: "Class C0"). In summary, the available evidence is currently insufficient to determine the role of this variant in disease. Therefore, it has been classified as a Variant of Uncertain Significance.

GeneDx
Classification: Uncertain significance. Last evaluated: 2016-10-17. Review status: criteria provided, single submitter. Criteria: GeneDx Variant Classification (06012015). Collection method: clinical testing. Allele origin: germline. Affected: yes.
Comment: The V503L variant in the BBS12 gene has not been reported previously as a pathogenic variant, nor as a benign variant, to our knowledge. The V503L variant was not observed at any significant frequency in approximately 6500 individuals of European and African American ancestry in the NHLBI Exome Sequencing Project, indicating it is not a common benign variant in these populations. The V503L variant is a conservative amino acid substitution, which is not likely to impact secondary protein structure as these residues share similar properties. This substitution occurs at a position where amino acids with similar properties to Valine are tolerated across species. In silico analysis is inconsistent in its predictions as to whether or not the variant is damaging to the protein structure/function. We interpret V503L as a variant of uncertain significance.

PreventionGenetics, part of Exact Sciences
Classification: Uncertain significance for BBS12-related condition. Last evaluated: 2024-09-27. Review status: no assertion criteria provided. Collection method: clinical testing. Allele origin: germline. Not counted in ClinVar's aggregate classification.
Comment: The BBS12 c.1507G>T variant is predicted to result in the amino acid substitution p.Val503Leu. To our knowledge, this variant has not been reported in the literature. This variant is reported in 0.016% of alleles in individuals of European (Finnish) descent in gnomAD. Of note, a different variant impacting the same amino acid (p.Val503Met) has been reported in a patient with Bardet–Biedl syndrome (Patient A3227, Janssen et al. 2011. PubMed ID: 21052717). At this time, the clinical significance of the c.1507G>T (p.Val503Leu) variant is uncertain due to the absence of conclusive functional and genetic evidence.

Natera, Inc.
Classification: Uncertain significance for Bardet-Biedl syndrome type 12. Last evaluated: 2020-01-20. Review status: no assertion criteria provided. Collection method: clinical testing. Allele origin: germline. Not counted in ClinVar's aggregate classification.

Department of Pathology and Laboratory Medicine, Sinai Health System
Classification: Uncertain significance. Review status: no assertion criteria provided. Collection method: clinical testing. Allele origin: unknown. Affected: yes. Study: The Canadian Open Genetics Repository (COGR). Not counted in ClinVar's aggregate classification.
Comment: The BBS12 p.V503L variant was not identified in the literature but was identified in dbSNP (ID: rs374865012) and ClinVar (classified as uncertain significance by Invitae and GeneDx). The variant was identified in control databases in 27 of 282844 chromosomes at a frequency of 0.00009546 (Genome Aggregation Database March 6, 2019, v2.1.1). The variant was observed in the following populations: European (Finnish) in 4 of 25120 chromosomes (freq: 0.000159), European (non-Finnish) in 19 of 129160 chromosomes (freq: 0.000147), Other in 1 of 7220 chromosomes (freq: 0.000139), Latino in 2 of 35436 chromosomes (freq: 0.000056) and African in 1 of 24968 chromosomes (freq: 0.00004), but was not observed in the Ashkenazi Jewish, East Asian, or South Asian populations. The p.V503 residue is conserved in mammals and computational analyses (PolyPhen-2, SIFT, MutationTaster, Revel, FATHMM, MetaLR, DANN) provide inconsistent predictions regarding the impact to the protein; this information is not very predictive of pathogenicity. The variant occurs outside of the splicing consensus sequence and in silico or computational prediction software programs (Splice AI exome) do not predict a difference in splicing. In summary, based on the above information the clinical significance of this variant cannot be determined with certainty at this time. This variant is classified as a variant of uncertain significance.

NM_152618.3(BBS12):c.1507G>T (p.Val503Leu)

Gene: BBS12 (Bardet-Biedl syndrome 12; plus strand). Cytogenetic location: 4q27.
Variant type: single nucleotide variant.
Coding change: c.1507G>T on transcript NM_152618.3 (MANE Select); coding-DNA position 1507, G replaced by T.
Protein change: p.Val503Leu; replaces valine 503 with leucine.
Molecular consequence: missense variant.
Genome position (GRCh38, 1-based): chr4:122,743,399, G>T. VCF-style: chr4-122743399-G-T. GRCh37 (hg19) VCF-style: chr4-123664554-G-T.
Other names: c.1507G>T, p.Val503Leu (NM_001178007.2); short protein forms V503L.
Identifiers: ClinVar variation 389871 (VCV000389871.10), dbSNP rs374865012, ClinGen allele CA3069466.